The following is an entry in ClinVar:

ClinVar aggregate classification (germline): Likely benign. Review status: criteria provided, single submitter (1 of 4 stars). 2 submissions from 2 submitters: Likely benign (1). 1 of the submissions does not count toward it. Last evaluated 2023-05-23.

Conditions:
GLI3-related disorder. Also called: GLI3-related disorders; GLI3-related condition. Identifiers: MedGen CN239292.
Pallister-Hall syndrome (PHS). Also called: HYPOTHALAMIC HAMARTOBLASTOMA, HYPOPITUITARISM, IMPERFORATE ANUS, AND POSTAXIAL POLYDACTYLY; GLI3-Related Pallister-Hall Syndrome. Identifiers: Orphanet 672, MedGen C0265220, MONDO:0007804, OMIM 146510.
Greig cephalopolysyndactyly syndrome (GCPS). Also called: POLYSYNDACTYLY WITH PECULIAR SKULL SHAPE; Greig syndrome; GLI3-Related Greig Cephalopolysyndactyly Syndrome. Identifiers: Orphanet 380, MedGen C0265306, MONDO:0008287, OMIM 175700.

Allele frequency attached by ClinVar (database versions not stated): gnomAD exomes 0.00005; TOPMed 0.00005; gnomAD 0.00007; ESP Exome Variant Server 0.00008; ExAC 0.00010.
gnomAD v4.1: 80 of 1,614,080 alleles (0.005%); highest among the groups gnomAD compares: Non-Finnish European, 0.0063%; no homozygotes.

Submissions (2):

Labcorp Genetics (formerly Invitae), Labcorp
Classification: Likely benign for Pallister-Hall syndrome; Greig cephalopolysyndactyly syndrome. Last evaluated: 2023-05-23. Review status: criteria provided, single submitter. Criteria: Invitae Variant Classification Sherloc (09022015). Collection method: clinical testing. Allele origin: germline.

PreventionGenetics, part of Exact Sciences
Classification: Likely benign for GLI3-related condition. Last evaluated: 2019-05-10. Review status: no assertion criteria provided. Collection method: clinical testing. Allele origin: germline. Not counted in ClinVar's aggregate classification.
Comment: This variant is classified as likely benign based on ACMG/AMP sequence variant interpretation guidelines (Richards et al. 2015 PMID: 25741868, with internal and published modifications).

NM_000168.6(GLI3):c.4605C>T (p.Ser1535=)

Gene: GLI3 (GLI family zinc finger 3; minus strand). Cytogenetic location: 7p14.1.
Variant type: single nucleotide variant.
Coding change: c.4605C>T on transcript NM_000168.6 (MANE Select); coding-DNA position 4605, C replaced by T.
Protein change: p.Ser1535=; no amino-acid change (serine 1535 retained).
Molecular consequence: synonymous variant.
Genome position (GRCh38, 1-based): chr7:41,964,468, G>A on the plus strand (C>T on the coding strand, the complement: GLI3 is on the minus strand). VCF-style: chr7-41964468-G-A. GRCh37 (hg19) VCF-style: chr7-42004066-G-A.
Other names: c.4605C>T (NM_000168.5).
Identifiers: ClinVar variation 2950143 (VCV002950143.5), dbSNP rs138272666, ClinGen allele CA4230094.